The following is an entry in ClinVar:

ClinVar aggregate classification (germline): Pathogenic. Review status: criteria provided, single submitter (1 of 4 stars). 2 submissions from 2 submitters: Pathogenic (1). 1 of the submissions does not count toward it. Last evaluated 2024-08-15.

Conditions:
Angelman syndrome-like. Identifiers: MedGen CN128785.
Developmental and epileptic encephalopathy, 2 (DEE2). Also called: INFANTILE SPASM SYNDROME, X-LINKED 2; CDKL5 deficiency disorder. Identifiers: Orphanet 1934, Orphanet 3451, Orphanet 505652, MedGen C4750718, MONDO:0010396, OMIM 300672.

Submissions (2):

Labcorp Genetics (formerly Invitae), Labcorp
Classification: Pathogenic for Developmental and epileptic encephalopathy, 2; Angelman syndrome-like. Last evaluated: 2024-08-15. Review status: criteria provided, single submitter. Criteria: Invitae Variant Classification Sherloc (09022015). Collection method: clinical testing. Allele origin: germline.
Comment: This sequence change replaces tryptophan, which is neutral and slightly polar, with cysteine, which is neutral and slightly polar, at codon 195 of the CDKL5 protein (p.Trp195Cys). This variant is not present in population databases (gnomAD no frequency). This missense change has been observed in individual(s) with clinical features of CDKL5-related infantile epileptic conditions (Invitae). In at least one individual the variant was observed to be de novo. Invitae Evidence Modeling of protein sequence and biophysical properties (such as structural, functional, and spatial information, amino acid conservation, physicochemical variation, residue mobility, and thermodynamic stability) indicates that this missense variant is expected to disrupt CDKL5 protein function with a positive predictive value of 95%. This variant disrupts the p.Trp195 amino acid residue in CDKL5. Other variant(s) that disrupt this residue have been determined to be pathogenic (Invitae). This suggests that this residue is clinically significant, and that variants that disrupt this residue are likely to be disease-causing. For these reasons, this variant has been classified as Pathogenic.

Hong-Tao Li Lab, Institute of Brain Science and Brain-inspired Research, Shandong First Medical University & Shandong Academy of Medical Sciences China
Classification: Likely pathogenic for CDKL5 deficiency disorder. Last evaluated: 2026-06-28. Review status: no assertion criteria provided. Collection method: research. Allele origin: germline. Inheritance: X-linked inheritance. Affected: yes. Observed: 1 variant allele, 1 heterozygote. Not counted in ClinVar's aggregate classification.

NM_001323289.2(CDKL5):c.585G>T (p.Trp195Cys)

Gene: CDKL5 (cyclin dependent kinase like 5; plus strand). Cytogenetic location: Xp22.13.
Variant type: single nucleotide variant.
Coding change: c.585G>T on transcript NM_001323289.2 (MANE Select); coding-DNA position 585, G replaced by T.
Protein change: p.Trp195Cys; replaces tryptophan 195 with cysteine.
Molecular consequence: missense variant.
Genome position (GRCh38, 1-based): chrX:18,587,984, G>T. VCF-style: chrX-18587984-G-T. GRCh37 (hg19) VCF-style: chrX-18606104-G-T.
Other names: c.585G>T, p.Trp195Cys (NM_001037343.2, NM_003159.3); short protein forms W195C.
Identifiers: ClinVar variation 2949339 (VCV002949339.4), dbSNP rs2147147996, ClinGen allele CA412353143.